The following is an entry in ClinVar:

ClinVar aggregate classification (germline): Uncertain significance (1 of 4 stars; one submission).

Allele frequency attached by ClinVar (database versions not stated): gnomAD exomes 0.00003; ExAC 0.00004; gnomAD 0.00004; TOPMed 0.00005.

Submission:

Labcorp Genetics (formerly Invitae), Labcorp
Classification: Uncertain significance. Last evaluated: 2022-07-05. Review status: criteria provided, single submitter. Criteria: Invitae Variant Classification Sherloc (09022015). Collection method: clinical testing. Allele origin: germline.
Comment: This sequence change replaces valine, which is neutral and non-polar, with methionine, which is neutral and non-polar, at codon 229 of the PGAP3 protein (p.Val229Met). This variant is present in population databases (rs757787265, gnomAD 0.008%). This variant has not been reported in the literature in individuals affected with PGAP3-related conditions. Algorithms developed to predict the effect of missense changes on protein structure and function are either unavailable or do not agree on the potential impact of this missense change (SIFT: "Deleterious"; PolyPhen-2: "Possibly Damaging"; Align-GVGD: "Class C0"). In summary, the available evidence is currently insufficient to determine the role of this variant in disease. Therefore, it has been classified as a Variant of Uncertain Significance.

NM_033419.5(PGAP3):c.685G>A (p.Val229Met)

Gene: PGAP3 (post-GPI attachment to proteins phospholipase 3; minus strand). Cytogenetic location: 17q12.
Variant type: single nucleotide variant.
Coding change: c.685G>A on transcript NM_033419.5 (MANE Select); coding-DNA position 685, G replaced by A.
Protein change: p.Val229Met; replaces valine 229 with methionine.
Molecular consequence: missense variant. On other transcripts: intron variant (3).
Genome position (GRCh38, 1-based): chr17:39,673,523, C>T on the plus strand (G>A on the coding strand, the complement: PGAP3 is on the minus strand). VCF-style: chr17-39673523-C-T. GRCh37 (hg19) VCF-style: chr17-37829776-C-T.
Other names: c.532G>A, p.Val178Met (NM_001291726.2); c.622G>A, p.Val208Met (NM_001291728.2); c.433-657G>A (NM_001291733.2); c.494+470G>A (NM_001291732.2); c.557+470G>A (NM_001291730.2); short protein forms V178M, V208M, V229M.
Identifiers: ClinVar variation 1984803 (VCV001984803.1), dbSNP rs757787265, ClinGen allele CA8533274.